The following is an entry in ClinVar:

ClinVar aggregate classification (germline): Uncertain significance (1 of 4 stars; one submission).

Conditions:
Severe combined immunodeficiency due to DNA-PKcs deficiency. Also called: IMMUNODEFICIENCY 26 WITH NEUROLOGIC ABNORMALITIES; Immunodeficiency 26 with or without neurologic abnormalities. Identifiers: Orphanet 317425, MedGen C4014833, MONDO:0014423, OMIM 615966.

Submission:

Labcorp Genetics (formerly Invitae), Labcorp
Classification: Uncertain significance for Severe combined immunodeficiency due to DNA-PKcs deficiency. Last evaluated: 2022-02-17. Review status: criteria provided, single submitter. Criteria: Invitae Variant Classification Sherloc (09022015). Collection method: clinical testing. Allele origin: germline.
Comment: This variant, c.8263_8265del, results in the deletion of 1 amino acid(s) of the PRKDC protein (p.Lys2755del), but otherwise preserves the integrity of the reading frame. This variant is present in population databases (rs764406872, gnomAD 0.006%). This variant has not been reported in the literature in individuals affected with PRKDC-related conditions. Experimental studies and prediction algorithms are not available or were not evaluated, and the functional significance of this variant is currently unknown. In summary, the available evidence is currently insufficient to determine the role of this variant in disease. Therefore, it has been classified as a Variant of Uncertain Significance.

NM_006904.7(PRKDC):c.8263_8265del (p.Lys2755del)

Gene: PRKDC (protein kinase, DNA-activated, catalytic subunit; minus strand). Cytogenetic location: 8q11.21.
Variant type: Deletion.
Coding change: c.8263_8265del on transcript NM_006904.7 (MANE Select); coding-DNA positions 8263 to 8265, 3 bases deleted (AAG; older notation c.8263_8265delAAG).
Protein change: p.Lys2755del; deletes lysine 2755.
Molecular consequence: inframe deletion.
Genome position (GRCh38, 1-based): chr8:47,831,814-47,831,816, CTT deleted on the plus strand (AAG on the coding strand, the reverse complement: PRKDC is on the minus strand); deleting any 3 consecutive bases within chr8:47,831,814-47,831,818 gives the same sequence; the c. name uses the placement nearest the transcript's 3' end. VCF-style (leftmost placement, unchanged base first): chr8-47831813-CCTT-C. GRCh37 (hg19) VCF-style: chr8-48744374-CCTT-C.
Other names: c.8263_8265del, p.Lys2755del (NM_001081640.2); short protein forms K2755del.
Identifiers: ClinVar variation 2146676 (VCV002146676.1), dbSNP rs764406872, ClinGen allele CA4739888.